The following is an entry in ClinVar:

NM_000214.3(JAG1):c.2174A>G (p.Asp725Gly)

Gene: JAG1 (jagged canonical Notch ligand 1; minus strand). Cytogenetic location: 20p12.2.
Variant type: single nucleotide variant.
Coding change: c.2174A>G on transcript NM_000214.3 (MANE Select); coding-DNA position 2174, A replaced by G.
Protein change: p.Asp725Gly; replaces aspartic acid 725 with glycine.
Molecular consequence: missense variant.
Genome position (GRCh38, 1-based): chr20:10,645,196, T>C on the plus strand (A>G on the coding strand, the complement: JAG1 is on the minus strand). VCF-style: chr20-10645196-T-C. GRCh37 (hg19) VCF-style: chr20-10625844-T-C.
Other names: short protein forms D725G.
Identifiers: ClinVar variation 1995108 (VCV001995108.4), dbSNP rs2514513315, ClinGen allele CA408235221.

ClinVar aggregate classification (germline): Uncertain significance (1 of 4 stars; one submission).

Conditions:
Alagille syndrome due to a JAG1 point mutation. Also called: JAG1-Related Alagille Syndrome; Alagille Syndrome 1; HEPATIC DUCTULAR HYPOPLASIA, SYNDROMATIC. Identifiers: Orphanet 261619, Orphanet 52, MedGen C1956125, MONDO:0016862, OMIM 118450.

Submission:

Labcorp Genetics (formerly Invitae), Labcorp
Classification: Uncertain significance for Alagille syndrome due to a JAG1 point mutation. Last evaluated: 2022-05-16. Review status: criteria provided, single submitter. Criteria: Invitae Variant Classification Sherloc (09022015). Collection method: clinical testing. Allele origin: germline.
Comment: In summary, the available evidence is currently insufficient to determine the role of this variant in disease. Therefore, it has been classified as a Variant of Uncertain Significance. Advanced modeling of protein sequence and biophysical properties (such as structural, functional, and spatial information, amino acid conservation, physicochemical variation, residue mobility, and thermodynamic stability) performed at Invitae indicates that this missense variant is not expected to disrupt JAG1 protein function. This variant has not been reported in the literature in individuals affected with JAG1-related conditions. This variant is not present in population databases (gnomAD no frequency). This sequence change replaces aspartic acid, which is acidic and polar, with glycine, which is neutral and non-polar, at codon 725 of the JAG1 protein (p.Asp725Gly).